The following is an entry in ClinVar:

ClinVar aggregate classification (germline): Uncertain significance (1 of 4 stars; one submission).

Submission:

Labcorp Genetics (formerly Invitae), Labcorp
Classification: Uncertain significance. Last evaluated: 2021-10-20. Review status: criteria provided, single submitter. Criteria: Invitae Variant Classification Sherloc (09022015). Collection method: clinical testing. Allele origin: germline.
Comment: In summary, the available evidence is currently insufficient to determine the role of this variant in disease. Therefore, it has been classified as a Variant of Uncertain Significance. Algorithms developed to predict the effect of missense changes on protein structure and function are either unavailable or do not agree on the potential impact of this missense change (SIFT: "Deleterious"; PolyPhen-2: "Benign"; Align-GVGD: "Class C0"). This variant has not been reported in the literature in individuals affected with ACE-related conditions. This variant is not present in population databases (ExAC no frequency). This sequence change replaces tryptophan with arginine at codon 109 of the ACE protein (p.Trp109Arg). The tryptophan residue is moderately conserved and there is a moderate physicochemical difference between tryptophan and arginine.

NM_000789.4(ACE):c.325T>C (p.Trp109Arg)

Gene: ACE (angiotensin I converting enzyme; plus strand). Cytogenetic location: 17q23.3.
Variant type: single nucleotide variant.
Coding change: c.325T>C on transcript NM_000789.4 (MANE Select); coding-DNA position 325, T replaced by C.
Protein change: p.Trp109Arg; replaces tryptophan 109 with arginine.
Molecular consequence: missense variant. On other transcripts: synonymous variant (1), 5 prime UTR variant (1).
Genome position (GRCh38, 1-based): chr17:63,478,006, T>C. VCF-style: chr17-63478006-T-C. GRCh37 (hg19) VCF-style: chr17-61555367-T-C.
Other names: c.90T>C, p.Ser30= (NM_001382700.1); c.-290T>C (NM_001382701.1); short protein forms W109R.
Identifiers: ClinVar variation 1523085 (VCV001523085.6), dbSNP rs2147525555, ClinGen allele CA400540727.
Genomic context (GRCh38, chr17:63,478,006, plus strand): 5'-CTCAGCCAGGAGTTTGCGGAGGCCTGGGGCCAGAAGGCCAAGGAGCTGTATGAACCGATC[T>C]GGCAGAACTTCACGGACCCGCAGCTGCGCAGGATCATCGGAGCTGTGCGCACCCTGGGCT-3'
Protein context (NP_000780.1, residues 99-119): QKAKELYEPI[Trp109Arg]QNFTDPQLRR